The following is an entry in ClinVar:

NM_006421.5(ARFGEF1):c.1203+1G>T

Gene: ARFGEF1 (ARF guanine nucleotide exchange factor 1; minus strand). Cytogenetic location: 8q13.2.
Variant type: single nucleotide variant.
Coding change: c.1203+1G>T on transcript NM_006421.5 (MANE Select); the canonical splice donor site of the intron after coding-DNA position 1203, G replaced by T.
Molecular consequence: splice donor variant. On other transcripts: intron variant (1).
Genome position (GRCh38, 1-based): chr8:67,277,281, C>A on the plus strand (G>T on the coding strand, the complement: ARFGEF1 is on the minus strand). VCF-style: chr8-67277281-C-A. GRCh37 (hg19) VCF-style: chr8-68189516-C-A.
Other names: c.1203+1G>T (NM_001413186.1, NM_001413187.1, NM_001413185.1 and 7 more transcripts); c.603+1G>T (NM_001413188.1, NM_001413197.1, NM_001413193.1); c.-88-5345G>T (NM_001413196.1).
Identifiers: ClinVar variation 3075966 (VCV003075966.1), dbSNP rs1805354051, ClinGen allele CA371252962.

ClinVar aggregate classification (germline): Likely pathogenic (1 of 4 stars; one submission).

Conditions:
Neurodevelopmental disorder. Identifiers: MedGen C1535926, MeSH D065886, MONDO:0700092.

Allele frequency attached by ClinVar (database versions not stated): gnomAD 0.00001.

Submission:

Laboratory for Molecular Medicine, Mass General Brigham Personalized Medicine
Classification: Likely pathogenic for Neurodevelopmental disorder. Last evaluated: 2023-11-29. Review status: criteria provided, single submitter. Criteria: ACMG Guidelines, 2015. Collection method: clinical testing. Allele origin: germline. Inheritance: Autosomal dominant inheritance.
Comment: The c.1203+1G>T variant in ARFGEF1 has not been previously reported in individuals with ARFGEF1-associated disorders such as developmental delay but has been reported in 0.009% (1/10570) of Finnish chromosomes by gnomAD (v.3.1.2). This variant occurs within the canonical splice site (+/- 1,2) and is predicted to cause altered splicing leading to an abnormal or absent protein. Heterozygous loss of function variants in ARFGEF1 have been reported in several individuals with autosomal dominant neurodevelopmental disorder (with or without epilepsy), including many that have been reported downstream of this variant (Teoh 2020 PMID: 31678406, Thomas 2021 PMID: 34113008, Xu 2022 PMID: 35782386). In summary, although additional studies are required to fully establish its clinical significance, this variant meets criteria to be classified as likely pathogenic for autosomal dominant neurodevelopmental disorder. ACMG/AMP Criteria applied: PVS1, PM2_Supporting.

Literature cited by the submitters: PubMed 34113008; PubMed 31678406; PubMed 35782386.